The following is an entry in ClinVar:

ClinVar aggregate classification (germline): Uncertain significance (1 of 4 stars; one submission).

Conditions:
Cardiovascular phenotype. Identifiers: MedGen CN230736.

Submission:

Ambry Genetics
Classification: Uncertain significance for Cardiovascular phenotype. Last evaluated: 2025-03-31. Review status: criteria provided, single submitter. Criteria: Ambry Variant Classification Scheme 2023. Collection method: clinical testing. Allele origin: germline.
Comment: The c.-3G>A variant is located in the 5' untranslated region (5&rsquo; UTR) of the CALM3 gene. This variant results from a G to A substitution 3 bases upstream from the first translated codon. This nucleotide position is highly conserved in available vertebrate species. Based on the available evidence, the clinical significance of this variant remains unclear.

NM_005184.4(CALM3):c.-3G>A

Gene: CALM3 (calmodulin 3; plus strand). Cytogenetic location: 19q13.32.
Variant type: single nucleotide variant.
Coding change: c.-3G>A on transcript NM_005184.4 (MANE Select); 3 bases upstream of the start codon, G replaced by A.
Molecular consequence: 5 prime UTR variant. On other transcripts: intron variant (1).
Genome position (GRCh38, 1-based): chr19:46,601,432, G>A. VCF-style: chr19-46601432-G-A. GRCh37 (hg19) VCF-style: chr19-47104689-G-A.
Other names: c.-109G>A (NM_001329924.2); c.-80G>A (NM_001329925.2); c.-103G>A (NM_001329926.2); c.-106+256G>A (NM_001329921.1).
Identifiers: ClinVar variation 1736901 (VCV001736901.3), dbSNP rs969897839, ClinGen allele CA309072553.